The following is an entry in ClinVar:

NM_001365951.3(KIF1B):c.5419T>G (p.Ser1807Ala)

Gene: KIF1B (kinesin family member 1B; plus strand). Cytogenetic location: 1p36.22.
Variant type: single nucleotide variant.
Coding change: c.5419T>G on transcript NM_001365951.3 (MANE Select); coding-DNA position 5419, T replaced by G.
Protein change: p.Ser1807Ala; replaces serine 1807 with alanine.
Molecular consequence: missense variant.
Genome position (GRCh38, 1-based): chr1:10,376,555, T>G. VCF-style: chr1-10376555-T-G. GRCh37 (hg19) VCF-style: chr1-10436613-T-G.
Other names: c.5419T>G, p.Ser1807Ala (NM_001365952.1); c.5281T>G, p.Ser1761Ala (NM_015074.3); short protein forms S1761A, S1807A.
Identifiers: ClinVar variation 2448725 (VCV002448725.2), dbSNP rs1569935737, ClinGen allele CA338332123.
Genomic context (GRCh38, chr1:10,376,555, plus strand): 5'-AAGACTTGTACCCAGACTTCTAATCCTACCTCCCCGTTTGTCCCCCATAGGTCAAAGCTT[T>G]CCCGCAGATGCCCGAGCCAGTCGAAATACTAAGTGACTCTGCCGAGTGCCCTCACTCGCC-3'
Protein context (NP_001352880.1, residues 1797-1816): LLAGTIRSKL[Ser1807Ala]RRCPSQSKY

ClinVar aggregate classification (germline): Uncertain significance (1 of 4 stars; one submission).

Submission:

Ambry Genetics
Classification: Uncertain significance. Last evaluated: 2023-02-14. Review status: criteria provided, single submitter. Criteria: Ambry Variant Classification Scheme 2023. Collection method: clinical testing. Allele origin: germline.
Comment: The p.S1761A variant (also known as c.5281T>G), located in coding exon 46 of the KIF1B gene, results from a T to G substitution at nucleotide position 5281. The serine at codon 1761 is replaced by alanine, an amino acid with similar properties. This amino acid position is conserved. In addition, this alteration is predicted to be tolerated by in silico analysis. Since supporting evidence is limited at this time, the clinical significance of this alteration remains unclear.